The following is an entry in ClinVar:

ClinVar aggregate classification (germline): Uncertain significance (1 of 4 stars; one submission).

Conditions:
Short-rib thoracic dysplasia 6 with or without polydactyly (SRTD6). Also called: SHORT RIB-POLYDACTYLY SYNDROME, TYPE IIA; POLYDACTYLY WITH NEONATAL CHONDRODYSTROPHY, TYPE II; SHORT-RIB THORACIC DYSPLASIA 6 WITH POLYDACTYLY; SHORT-RIB THORACIC DYSPLASIA 6 WITHOUT POLYDACTYLY; Majewski Syndrome. Identifiers: MedGen C0024507, MONDO:0009894, OMIM 263520.

Allele frequency attached by ClinVar (database versions not stated): gnomAD exomes 0.00001 and 0.00003; ExAC 0.00002; TOPMed 0.00002.
gnomAD v4.1: 13 of 1,612,338 alleles (0.00081%); highest among the groups gnomAD compares: Admixed American, 0.012%; no homozygotes.

Submission:

Labcorp Genetics (formerly Invitae), Labcorp
Classification: Uncertain significance for Short-rib thoracic dysplasia 6 with or without polydactyly. Last evaluated: 2025-08-18. Review status: criteria provided, single submitter. Criteria: Invitae Variant Classification Sherloc (09022015). Collection method: clinical testing. Allele origin: germline.
Comment: This sequence change affects codon 934 of the NEK1 mRNA. It is a 'silent' change, meaning that it does not change the encoded amino acid sequence of the NEK1 protein. It affects a nucleotide within the consensus splice site. This variant is present in population databases (rs770250819, gnomAD 0.02%). This variant has not been reported in the literature in individuals affected with NEK1-related conditions. ClinVar contains an entry for this variant (Variation ID: 1382779). Algorithms developed to predict the effect of sequence changes on RNA splicing suggest that this variant is not likely to affect RNA splicing. In summary, the available evidence is currently insufficient to determine the role of this variant in disease. Therefore, it has been classified as a Variant of Uncertain Significance.

NM_001199397.3(NEK1):c.2886G>A (p.Gln962=)

Gene: NEK1 (NIMA related kinase 1; minus strand). Cytogenetic location: 4q33.
Variant type: single nucleotide variant.
Coding change: c.2886G>A on transcript NM_001199397.3 (MANE Select); coding-DNA position 2886, G replaced by A.
Protein change: p.Gln962=; no amino-acid change (glutamine 962 retained).
Molecular consequence: synonymous variant. On other transcripts: non-coding transcript variant (1).
Genome position (GRCh38, 1-based): chr4:169,426,234, C>T on the plus strand (G>A on the coding strand, the complement: NEK1 is on the minus strand). VCF-style: chr4-169426234-C-T. GRCh37 (hg19) VCF-style: chr4-170347385-C-T.
Other names: c.2754G>A, p.Gln918= (NM_001199398.3); c.2595G>A, p.Gln865= (NM_001199399.3); c.2670G>A, p.Gln890= (NM_001199400.3); c.2886G>A, p.Gln962= (NM_001374418.1); c.2802G>A, p.Gln934= (NM_001374419.1, NM_012224.4); c.2751G>A, p.Gln917= (NM_001374420.1); c.2403G>A, p.Gln801= (NM_001374421.1).
Identifiers: ClinVar variation 1382779 (VCV001382779.6), dbSNP rs770250819, ClinGen allele CA3137288.